The following is an entry in ClinVar:

NM_001851.6(COL9A1):c.515T>C (p.Leu172Ser)

Gene: COL9A1 (collagen type IX alpha 1 chain; minus strand). Cytogenetic location: 6q13.
Variant type: single nucleotide variant.
Coding change: c.515T>C on transcript NM_001851.6 (MANE Select); coding-DNA position 515, T replaced by C.
Protein change: p.Leu172Ser; replaces leucine 172 with serine.
Molecular consequence: missense variant.
Genome position (GRCh38, 1-based): chr6:70,294,348, A>G on the plus strand (T>C on the coding strand, the complement: COL9A1 is on the minus strand). VCF-style: chr6-70294348-A-G. GRCh37 (hg19) VCF-style: chr6-71004051-A-G.
Other names: c.515T>C, p.Leu172Ser (NM_001377291.1); short protein forms L172S.
Identifiers: ClinVar variation 4987740 (VCV004987740.1).
Genomic context (GRCh38, chr6:70,294,348, plus strand): 5'-GCACTACTCCTCTCCACGCCAATCATGATCTTATGCCACTGGGAATCAAACAAGGAGGAC[A>G]AATTCGAAAAGGCTGCTGTTTGGAGACTTCCATCCAGTCCCTTGTATGAAAATACAACAG-3'
Protein context (NP_001842.3, residues 162-182): GSLQTAAFSN[Leu172Ser]SSLFDSQWHK

ClinVar aggregate classification (germline): Uncertain significance (1 of 4 stars; one submission).

Conditions:
COL9A1-related disorder. Also called: COL9A1-related condition; COL9A1-related disorders.

gnomAD v4.1: 18 of 1,614,080 alleles (0.0011%); highest among the groups gnomAD compares: Non-Finnish European, 0.0015%; no homozygotes.

Submission:

PreventionGenetics, part of Exact Sciences
Classification: Uncertain significance for COL9A1-related condition. Last evaluated: 2026-02-11. Review status: criteria provided, single submitter. Criteria: ACMG Guidelines, 2015. Collection method: clinical testing. Allele origin: germline.
Comment: The COL9A1 c.515T>C variant is predicted to result in the amino acid substitution p.Leu172Ser. To our knowledge, this variant has not been reported in the literature. This variant is reported in 0.00088% of alleles in individuals of European (Non-Finnish) descent in gnomAD. At this time, the clinical significance of this variant is uncertain due to the absence of conclusive functional and genetic evidence.